The following is an entry in ClinVar:

NM_152564.5(VPS13B):c.5220+3A>C

Gene: VPS13B (vacuolar protein sorting 13 homolog B; plus strand). Cytogenetic location: 8q22.2.
Variant type: single nucleotide variant.
Coding change: c.5220+3A>C on transcript NM_152564.5 (MANE Select); 3 bases into the intron after coding-DNA position 5220, A replaced by C.
Molecular consequence: intron variant.
Genome position (GRCh38, 1-based): chr8:99,577,636, A>C. VCF-style: chr8-99577636-A-C. GRCh37 (hg19) VCF-style: chr8-100589864-A-C.
Other names: c.5295+3A>C (NM_017890.5).
Identifiers: ClinVar variation 4998308 (VCV004998308.1).

ClinVar aggregate classification (germline): Uncertain significance (1 of 4 stars; one submission).

Conditions:
VPS13B-related disorder. Also called: VPS13B-related condition.

Submission:

PreventionGenetics, part of Exact Sciences
Classification: Uncertain significance for VPS13B-related condition. Last evaluated: 2024-12-28. Review status: criteria provided, single submitter. Criteria: ACMG Guidelines, 2015. Collection method: clinical testing. Allele origin: germline.
Comment: The VPS13B c.5220+3A>C variant is predicted to interfere with splicing. To our knowledge, this variant has not been reported in the literature or in a large population database (gnomAD), indicating this variant is rare. Although we suspect that this variant may be pathogenic, at this time, the clinical significance of this variant is uncertain due to the absence of conclusive functional and genetic evidence.